The following is an entry in ClinVar:

ClinVar aggregate classification (germline): Pathogenic (1 of 4 stars; one submission).

Submission:

Clinical Genomics Laboratory, Laboratory for Precision Diagnostics, University of Washington
Classification: Pathogenic. Last evaluated: 2022-06-16. Review status: criteria provided, single submitter. Criteria: ACMG/ClinGen CNV Guidelines, 2019. Collection method: clinical testing. Allele origin: unknown. Affected: yes. Observed: 1 variant allele.
Comment: This interstitial deletion is approximately 4.9 Mb in size and contains 14 protein-coding genes. This deletion corresponds to the recurrent class 2 microdeletion (BP2-BP3) that causes Prader-Willi syndrome (PWS) or Angelman syndrome (AS).

Literature cited by the submitters: PubMed 9492088; PubMed 10982040; PubMed 17103438; PubMed 24311297.

GRCh38/hg38 15q11.2-13.1(chr15:23422265-28290120)x1

Genes: ATP10A (ATPase phospholipid transporting 10A (putative); minus strand), ATP10A-DT (ATP10A divergent transcript; plus strand), GABRA5 (gamma-aminobutyric acid type A receptor subunit alpha5; plus strand), GABRB3 (gamma-aminobutyric acid type A receptor subunit beta3; minus strand), GABRG3 (gamma-aminobutyric acid type A receptor subunit gamma3; plus strand) and 138 more. Cytogenetic location: 15q11.2-13.1.
Variant type: copy number loss.
Change: copy number 1 (one copy instead of two) of chr15:23,422,265-28,290,120 (4.87 Mb, GRCh38 coordinates, 1-based), cytogenetic band 15q11.2-13.1.
Identifiers: ClinVar variation 4852037 (VCV004852037.1).